The following is an entry in ClinVar:

ClinVar aggregate classification (germline): Uncertain significance (1 of 4 stars; one submission).

Allele frequency attached by ClinVar (database versions not stated): gnomAD exomes 0.00001; TOPMed 0.00001.
gnomAD v4.1: 10 of 1,613,874 alleles (0.00062%); highest among the groups gnomAD compares: African/African-American, 0.0027%; no homozygotes.

Submission:

Ambry Genetics
Classification: Uncertain significance. Last evaluated: 2024-11-14. Review status: criteria provided, single submitter. Criteria: Ambry Variant Classification Scheme 2023. Collection method: clinical testing. Allele origin: germline.
Comment: The p.P934S variant (also known as c.2800C>T), located in coding exon 4 of the ALPK2 gene, results from a C to T substitution at nucleotide position 2800. The proline at codon 934 is replaced by serine, an amino acid with similar properties. This amino acid position is conserved. In addition, this alteration is predicted to be tolerated by in silico analysis. Since supporting evidence is limited at this time, the clinical significance of this alteration remains unclear.

NM_052947.4(ALPK2):c.2800C>T (p.Pro934Ser)

Gene: ALPK2 (alpha kinase 2; minus strand). Cytogenetic location: 18q21.31.
Variant type: single nucleotide variant.
Coding change: c.2800C>T on transcript NM_052947.4 (MANE Select); coding-DNA position 2800, C replaced by T.
Protein change: p.Pro934Ser; replaces proline 934 with serine.
Molecular consequence: missense variant.
Genome position (GRCh38, 1-based): chr18:58,537,387, G>A on the plus strand (C>T on the coding strand, the complement: ALPK2 is on the minus strand). VCF-style: chr18-58537387-G-A. GRCh37 (hg19) VCF-style: chr18-56204619-G-A.
Other names: short protein forms P934S.
Identifiers: ClinVar variation 1796216 (VCV001796216.3), dbSNP rs2051657520, ClinGen allele CA402569750.